The following is an entry in ClinVar:

ClinVar aggregate classification (germline): Uncertain significance (1 of 4 stars; one submission).

Conditions:
Nemaline myopathy 8 (NEM8). Also called: Nemaline myopathy 8, autosomal recessive. Identifiers: Orphanet 171430, MedGen C3809209, MONDO:0014138, OMIM 615348.

Allele frequency attached by ClinVar (database versions not stated): gnomAD exomes below 0.00001 and 0.00001; gnomAD 0.00001; TOPMed 0.00001.

Submission:

Labcorp Genetics (formerly Invitae), Labcorp
Classification: Uncertain significance for Nemaline myopathy 8. Last evaluated: 2022-06-05. Review status: criteria provided, single submitter. Criteria: Invitae Variant Classification Sherloc (09022015). Collection method: clinical testing. Allele origin: germline.
Comment: In summary, the available evidence is currently insufficient to determine the role of this variant in disease. Therefore, it has been classified as a Variant of Uncertain Significance. Algorithms developed to predict the effect of sequence changes on RNA splicing suggest that this variant may create or strengthen a splice site. Algorithms developed to predict the effect of missense changes on protein structure and function (SIFT, PolyPhen-2, Align-GVGD) all suggest that this variant is likely to be tolerated. ClinVar contains an entry for this variant (Variation ID: 1034564). This variant has not been reported in the literature in individuals affected with KLHL40-related conditions. The frequency data for this variant in the population databases is considered unreliable, as metrics indicate poor data quality at this position in the gnomAD database. This sequence change replaces alanine, which is neutral and non-polar, with valine, which is neutral and non-polar, at codon 99 of the KLHL40 protein (p.Ala99Val).

NM_152393.4(KLHL40):c.296C>T (p.Ala99Val)

Gene: KLHL40 (kelch like family member 40; plus strand). Cytogenetic location: 3p22.1.
Variant type: single nucleotide variant.
Coding change: c.296C>T on transcript NM_152393.4 (MANE Select); coding-DNA position 296, C replaced by T.
Protein change: p.Ala99Val; replaces alanine 99 with valine.
Molecular consequence: missense variant.
Genome position (GRCh38, 1-based): chr3:42,685,914, C>T. VCF-style: chr3-42685914-C-T. GRCh37 (hg19) VCF-style: chr3-42727406-C-T.
Other names: short protein forms A99V.
Identifiers: ClinVar variation 1034564 (VCV001034564.4), dbSNP rs915743218, ClinGen allele CA74191702.